The following is an entry in ClinVar:

NM_032444.4(SLX4):c.4773G>A (p.Met1591Ile)

Gene: SLX4 (SLX4 structure-specific endonuclease subunit; minus strand). Cytogenetic location: 16p13.3.
Variant type: single nucleotide variant.
Coding change: c.4773G>A on transcript NM_032444.4 (MANE Select); coding-DNA position 4773, G replaced by A.
Protein change: p.Met1591Ile; replaces methionine 1591 with isoleucine.
Molecular consequence: missense variant.
Genome position (GRCh38, 1-based): chr16:3,583,477, C>T on the plus strand (G>A on the coding strand, the complement: SLX4 is on the minus strand). VCF-style: chr16-3583477-C-T. GRCh37 (hg19) VCF-style: chr16-3633478-C-T.
Other names: short protein forms M1591I.
Identifiers: ClinVar variation 1436292 (VCV001436292.8), dbSNP rs757589951, ClinGen allele CA7865508.
Genomic context (GRCh38, chr16:3,583,477, plus strand): 5'-CTCGGAGTCTGAGTCCAGGGTCTGGTGAGTGTACTGGAATATCTCCTTCAGCTTCAGAAC[C>T]ATCTGGCGTTTAGGCAGAGGGCGGACTCCAAACCTGACGGAGGAACAGGTGGATCTCAGG-3'
Protein context (NP_115820.2, residues 1581-1601): FGVRPLPKRQ[Met1591Ile]VLKLKEIFQY

ClinVar aggregate classification (germline): Uncertain significance (1 of 4 stars; one submission).

Conditions:
Fanconi anemia (FA). Also called: Fanconi's anemia. Identifiers: Orphanet 84, MedGen C0015625, MeSH D005199, MONDO:0019391.

Allele frequency attached by ClinVar (database versions not stated): gnomAD exomes below 0.00001 and 0.00001; ExAC 0.00001.

Submission:

Labcorp Genetics (formerly Invitae), Labcorp
Classification: Uncertain significance for Fanconi anemia. Last evaluated: 2024-04-29. Review status: criteria provided, single submitter. Criteria: Invitae Variant Classification Sherloc (09022015). Collection method: clinical testing. Allele origin: germline.
Comment: This sequence change replaces methionine, which is neutral and non-polar, with isoleucine, which is neutral and non-polar, at codon 1591 of the SLX4 protein (p.Met1591Ile). This variant is present in population databases (rs757589951, gnomAD 0.003%). This variant has not been reported in the literature in individuals affected with SLX4-related conditions. ClinVar contains an entry for this variant (Variation ID: 1436292). An algorithm developed to predict the effect of missense changes on protein structure and function (PolyPhen-2) suggests that this variant is likely to be disruptive. In summary, the available evidence is currently insufficient to determine the role of this variant in disease. Therefore, it has been classified as a Variant of Uncertain Significance.